The following is an entry in ClinVar:

ClinVar aggregate classification (germline): Uncertain significance (1 of 4 stars; one submission).

Conditions:
Inborn genetic diseases. Identifiers: MedGen C0950123, MeSH D030342.

gnomAD v4.1: 14 of 1,613,912 alleles (0.00087%); highest among the groups gnomAD compares: Non-Finnish European, 0.0012%; no homozygotes.

Submission:

Ambry Genetics
Classification: Uncertain significance for Inborn genetic diseases. Last evaluated: 2025-05-31. Review status: criteria provided, single submitter. Criteria: Ambry Variant Classification Scheme 2023. Collection method: clinical testing. Allele origin: germline.
Comment: The p.Q1098L variant (also known as c.3293A>T), located in coding exon 24 of the ANKRD26 gene, results from an A to T substitution at nucleotide position 3293. The glutamine at codon 1098 is replaced by leucine, an amino acid with dissimilar properties. This amino acid position is conserved. In addition, this alteration is predicted to be tolerated by in silico analysis. Based on the available evidence, the clinical significance of this variant remains unclear.

NM_014915.3(ANKRD26):c.3293A>T (p.Gln1098Leu)

Gene: ANKRD26 (ankyrin repeat domain containing 26; minus strand). Cytogenetic location: 10p12.1.
Variant type: single nucleotide variant.
Coding change: c.3293A>T on transcript NM_014915.3 (MANE Select); coding-DNA position 3293, A replaced by T.
Protein change: p.Gln1098Leu; replaces glutamine 1098 with leucine.
Molecular consequence: missense variant.
Genome position (GRCh38, 1-based): chr10:27,035,157, T>A on the plus strand (A>T on the coding strand, the complement: ANKRD26 is on the minus strand). VCF-style: chr10-27035157-T-A. GRCh37 (hg19) VCF-style: chr10-27324086-T-A.
Other names: c.3290A>T, p.Gln1097Leu (NM_001256053.2); short protein forms Q1098L, Q1097L.
Identifiers: ClinVar variation 3914933 (VCV003914933.1).